The following is an entry in ClinVar:

NM_032043.3(BRIP1):c.2468G>A (p.Arg823Lys)

Gene: BRIP1 (BRCA1 interacting DNA helicase 1; minus strand). Cytogenetic location: 17q23.2.
Variant type: single nucleotide variant.
Coding change: c.2468G>A on transcript NM_032043.3 (MANE Select); coding-DNA position 2468, G replaced by A.
Protein change: p.Arg823Lys; replaces arginine 823 with lysine.
Molecular consequence: missense variant.
Genome position (GRCh38, 1-based): chr17:61,715,975, C>T on the plus strand (G>A on the coding strand, the complement: BRIP1 is on the minus strand). VCF-style: chr17-61715975-C-T. GRCh37 (hg19) VCF-style: chr17-59793336-C-T.
Other names: short protein forms R823K.
Identifiers: ClinVar variation 850295 (VCV000850295.11), dbSNP rs45479297, ClinGen allele CA400479481.

ClinVar aggregate classification (germline): Uncertain significance. Review status: criteria provided, multiple submitters, no conflicts (2 of 4 stars). 2 submissions from 2 submitters: Uncertain significance (2). Last evaluated 2026-09-03.

Conditions:
Familial cancer of breast. Also called: Hereditary breast cancer; hereditary breast carcinoma; BREAST CANCER, FAMILIAL. Identifiers: Orphanet 227535, MedGen C0346153, MONDO:0016419, OMIM 114480. Disease mechanism: loss of function.
Fanconi anemia complementation group J. Also called: BRIP1-Related Fanconi Anemia. Identifiers: Orphanet 84, MedGen C1836860, MONDO:0012187, OMIM 609054.
Hereditary cancer-predisposing syndrome. Also called: Tumor predisposition; Hereditary neoplastic syndrome; Neoplastic Syndromes, Hereditary; Hereditary Cancer Syndrome. Identifiers: Orphanet 140162, MedGen C0027672, MeSH D009386, MONDO:0015356.

Submissions (2):

Ambry Genetics
Classification: Uncertain significance for Hereditary cancer-predisposing syndrome. Last evaluated: 2026-09-03. Review status: criteria provided, single submitter. Criteria: Ambry Variant Classification Scheme 2023. Collection method: clinical testing. Allele origin: germline.
Comment: The p.R823K variant (also known as c.2468G>A), located in coding exon 16 of the BRIP1 gene, results from a G to A substitution at nucleotide position 2468. The arginine at codon 823 is replaced by lysine, an amino acid with highly similar properties. This amino acid position is conserved. In addition, this alteration is predicted to be deleterious by in silico analysis. Based on the available evidence, the clinical significance of this variant remains unclear.

Labcorp Genetics (formerly Invitae), Labcorp
Classification: Uncertain significance for Familial cancer of breast; Fanconi anemia complementation group J. Last evaluated: 2023-11-10. Review status: criteria provided, single submitter. Criteria: Invitae Variant Classification Sherloc (09022015). Collection method: clinical testing. Allele origin: germline.
Comment: This sequence change replaces arginine, which is basic and polar, with lysine, which is basic and polar, at codon 823 of the BRIP1 protein (p.Arg823Lys). This variant is not present in population databases (gnomAD no frequency). This variant has not been reported in the literature in individuals affected with BRIP1-related conditions. ClinVar contains an entry for this variant (Variation ID: 850295). Advanced modeling of protein sequence and biophysical properties (such as structural, functional, and spatial information, amino acid conservation, physicochemical variation, residue mobility, and thermodynamic stability) performed at Invitae indicates that this missense variant is expected to disrupt BRIP1 protein function with a positive predictive value of 80%. In summary, the available evidence is currently insufficient to determine the role of this variant in disease. Therefore, it has been classified as a Variant of Uncertain Significance.